The following is an entry in ClinVar:

NM_000517.6(HBA2):c.428A>C (p.Ter143Ser)

Genes: HBA2 (hemoglobin subunit alpha 2; plus strand), LOC106804612 (hemoglobin subunit alpha 2 recombination region; plus strand). Cytogenetic location: 16p13.3.
Variant type: single nucleotide variant.
Coding change: c.428A>C on transcript NM_000517.6 (MANE Select); coding-DNA position 428, A replaced by C.
Protein change: p.Ter143Ser.
Molecular consequence: stop lost.
Genome position (GRCh38, 1-based): chr16:173,599, A>C. VCF-style: chr16-173599-A-C. GRCh37 (hg19) VCF-style: chr16-223598-A-C.
Other names: *142S; *143S; c.428A>C (NM_000517.5).
Identifiers: ClinVar variation 15627 (VCV000015627.14), dbSNP rs41321345, ClinGen allele CA125552.
Genomic context (GRCh38, chr16:173,599, plus strand): 5'-ACGCCTCCCTGGACAAGTTCCTGGCTTCTGTGAGCACCGTGCTGACCTCCAAATACCGTT[A>C]AGCTGGAGCCTCGGTAGCCGTTCCTCCTGCCCGCTGGGCCTCCCAACGGGCCCTCCTCCC-3'

ClinVar aggregate classification (germline): Pathogenic/Likely pathogenic. Review status: criteria provided, multiple submitters, no conflicts (2 of 4 stars). 7 submissions from 7 submitters: Pathogenic (3); Likely pathogenic (3). 1 of the submissions does not count toward it. Last evaluated 2025-10-03.

Conditions:
Erythrocytosis, familial, 7. Also called: ERYTHROCYTOSIS, ALPHA-GLOBIN TYPE; POLYCYTHEMIA, ALPHA-GLOBIN TYPE; ERYTHROCYTOSIS 7. Identifiers: MedGen C4693823, MONDO:0054802, OMIM 617981.
Heinz body anemia. Also called: Heinz body hemolytic anemia. Identifiers: Orphanet 178330, MedGen C0700299, MONDO:0007705, OMIM 140700, HP:0005511.
Hemoglobin H disease (HBH). Also called: Hemoglobin H (HbH) Disease; HEMOGLOBIN H DISEASE, DELETIONAL; ALPHA-THALASSEMIA, HEMOGLOBIN H TYPE. Identifiers: Orphanet 93616, MedGen C3161174, MONDO:0013512, OMIM 613978. Disease mechanism: loss of function.
alpha Thalassemia. Also called: Alpha thalassemia spectrum. Identifiers: Orphanet 846, MedGen C0002312, MONDO:0011399, OMIM 604131.
HEMOGLOBIN KOYA DORA.

Allele frequency attached by ClinVar (database versions not stated): gnomAD exomes below 0.00001.
gnomAD v4.1: 2 of 1,608,130 alleles (0.00012%); highest among the groups gnomAD compares: South Asian, 0.0022%; no homozygotes.

Submissions (7):

Natera, Inc.
Classification: Likely pathogenic for Alpha thalassemia. Last evaluated: 2025-10-03. Review status: criteria provided, single submitter. Criteria: Natera Variant Classification Schema (03/2026). Collection method: clinical testing. Allele origin: germline.
Comment: The c.428A>C variant in HBA2 is a stop-loss variant predicted to disrupt the normal termination codon and extend translation beyond the canonical stop site. This variant is rare in the general population with a frequency below the threshold expected for the associated phenotype(s). This variant has been observed in one or more individuals affected with the associated recessive disease, as either homozygous or compound heterozygous with a second variant (PMID: 20642339, 26365411). Given the available evidence, this variant is classified as Likely Pathogenic.

Center for Genomic Medicine, Rigshospitalet, Copenhagen University Hospital
Classification: Likely pathogenic. Last evaluated: 2025-03-04. Review status: criteria provided, single submitter. Criteria: ACMG Guidelines, 2015. Collection method: clinical testing. Allele origin: germline.

Fulgent Genetics
Classification: Pathogenic for Heinz body anemia; alpha Thalassemia; Hemoglobin H disease; Erythrocytosis, familial, 7. Last evaluated: 2024-06-19. Review status: criteria provided, single submitter. Criteria: ACMG Guidelines, 2015. Collection method: clinical testing. Allele origin: germline.

Quest Diagnostics Nichols Institute San Juan Capistrano
Classification: Pathogenic. Last evaluated: 2022-08-03. Review status: criteria provided, single submitter. Criteria: Quest Diagnostics criteria. Collection method: clinical testing. Allele origin: unknown.
Comment: This variant disrupts the translation stop codon of the HBA2 mRNA and is predicted to cause HBA2 protein elongation. The frequency of this variant in the general population, 0.000004 (1/248882 chromosomes), is consistent with pathogenicity. In the published literature, the variant has been associated with alpha-thalassemia (PMIDs: 26365411 (2015), 19373587 (2009), 1802886 (1991), 1155453 (1975)). Based on the available information, this variant is classified as pathogenic.

ARUP Laboratories, Molecular Genetics and Genomics, ARUP Laboratories
Classification: Pathogenic. Last evaluated: 2021-09-18. Review status: criteria provided, single submitter. Criteria: ARUP Molecular Germline Variant Investigation Process 2021. Collection method: clinical testing. Allele origin: germline.
Comment: The Hb Koya Dora variant (HBA2: c.428A>C; p.Ter143SerextTer31 also known as Ter142Ser when numbered from the mature protein, rs41321345) is reported in the heterozygous state associated with mild anemia and hypochromia (see link to HbVar). This variant is absent from the Genome Aggregation Database, indicating it is not a common polymorphism. This variant abolishes the canonical termination codon, resulting in an elongated protein that is unstable, similar to other stop loss variants (Hb Constant Spring, Hb Icaria)(see HbVar links and references therein). Based on available information, this variant is considered to be pathogenic. References: Link to HbVar database for Hb Koya Dora: Link to HbVar database for Hb Constant Spring: Link to HbVar database for Hb Icaria

Neuberg Centre For Genomic Medicine, NCGM
Classification: Likely pathogenic for alpha Thalassemia. Review status: criteria provided, single submitter. Criteria: ACMG Guidelines, 2015. Collection method: clinical testing. Allele origin: germline. Inheritance: Autosomal recessive inheritance. Affected: yes.
Comment: The stop lost c.428A>C p.Ter143SerextTer31 variant in the HBA2 gene has been reported in compound heterozygous state in a patient with Alpha-thalassemia Deshpande, Prashant et al., 2015. This variant is reported with the allele frequency 0.0004% in the gnomAD Exomes and novel in 1000 Genomes. The variant is reported to ClinVar as Pathogenic. The p.Ter143SerextTer31 variant in the stop codon Ter/* at position 143, changing it to a Serine-codon a no-stop variant and adding a tail of new amino acids to the protein’s C-terminus, ending at a new stop codon Ter/* at position 31. This variant is predicted to cause loss of normal protein function through protein truncation. Loss of function variants have been previously reported to be disease causing. The amino acid change p.Ter143SerextTer31 in HBA2 is predicted as conserved by GERP++ and PhyloP across 100 vertebrates. Functional studies are required to prove the pathogenicity of the variant. For these reasons, this variant has been classified as Likely Pathogenic.

OMIM
Classification: other for HEMOGLOBIN KOYA DORA. Last evaluated: 2013-03-28. Review status: no assertion criteria provided. Collection method: literature only. Allele origin: germline. Not counted in ClinVar's aggregate classification.

Literature cited by the submitters: PubMed 20642339 (cited by Natera, Inc.); PubMed 26365411 (cited by 3 submitters); PubMed 19373587 (cited by Quest Diagnostics Nichols Institute San Juan Capistrano); PubMed 1802886 (cited by Quest Diagnostics Nichols Institute San Juan Capistrano); PubMed 1155453 (cited by Quest Diagnostics Nichols Institute San Juan Capistrano and OMIM).